The following is an entry in ClinVar:

ClinVar aggregate classification (germline): Likely benign. Review status: criteria provided, multiple submitters, no conflicts (2 of 4 stars). 2 submissions from 2 submitters: Likely benign (2). Last evaluated 2025-02-12.

Conditions:
Neuronal ceroid lipofuscinosis. Also called: Neuronal Ceroid Lipofuscinoses. Identifiers: Orphanet 216, Orphanet 79263, MedGen C0027877, MONDO:0016295. Disease mechanism: loss of function.

gnomAD v4.1: 6 of 1,611,140 alleles (0.00037%); highest among the groups gnomAD compares: East Asian, 0.0022%; no homozygotes.

Submissions (2):

Labcorp Genetics (formerly Invitae), Labcorp
Classification: Likely benign for Neuronal ceroid lipofuscinosis. Last evaluated: 2025-02-12. Review status: criteria provided, single submitter. Criteria: Invitae Variant Classification Sherloc (09022015). Collection method: clinical testing. Allele origin: germline.

GeneDx
Classification: Likely benign. Last evaluated: 2015-12-08. Review status: criteria provided, single submitter. Criteria: GeneDx Variant Classification (06012015). Collection method: clinical testing. Allele origin: germline. Affected: yes.
Comment: This variant is considered likely benign or benign based on one or more of the following criteria: it is a conservative change, it occurs at a poorly conserved position in the protein, it is predicted to be benign by multiple in silico algorithms, and/or has population frequency not consistent with disease.

NM_006493.4(CLN5):c.21G>C (p.Thr7=)

Gene: CLN5 (CLN5 lysosomal BMP synthase; plus strand). Cytogenetic location: 13q22.3.
Variant type: single nucleotide variant.
Coding change: c.21G>C on transcript NM_006493.4 (MANE Select); coding-DNA position 21, G replaced by C.
Protein change: p.Thr7=; no amino-acid change (threonine 7 retained).
Molecular consequence: synonymous variant.
Genome position (GRCh38, 1-based): chr13:76,992,119, G>C. VCF-style: chr13-76992119-G-C. GRCh37 (hg19) VCF-style: chr13-77566254-G-C.
Other names: c.21G>C, p.Thr7= (NM_001366624.2); c.168G>C (LRG_692t1).
Identifiers: ClinVar variation 382119 (VCV000382119.8), dbSNP rs1057521258, ClinGen allele CA16606868.